The following is an entry in ClinVar:

NM_005562.3(LAMC2):c.1285G>T (p.Gly429Ter)

Gene: LAMC2 (laminin subunit gamma 2; plus strand). Cytogenetic location: 1q25.3.
Variant type: single nucleotide variant.
Coding change: c.1285G>T on transcript NM_005562.3 (MANE Select); coding-DNA position 1285, G replaced by T.
Protein change: p.Gly429Ter; replaces glycine 429 with a stop codon.
Molecular consequence: nonsense.
Genome position (GRCh38, 1-based): chr1:183,226,916, G>T. VCF-style: chr1-183226916-G-T. GRCh37 (hg19) VCF-style: chr1-183196051-G-T.
Other names: c.1285G>T, p.Gly429Ter (NM_018891.3); short protein forms G429*.
Identifiers: ClinVar variation 1357680 (VCV001357680.6), dbSNP rs2102230512, ClinGen allele CA343686772.

ClinVar aggregate classification (germline): Pathogenic (1 of 4 stars; one submission).

Submission:

Labcorp Genetics (formerly Invitae), Labcorp
Classification: Pathogenic. Last evaluated: 2021-02-18. Review status: criteria provided, single submitter. Criteria: Invitae Variant Classification Sherloc (09022015). Collection method: clinical testing. Allele origin: germline.
Comment: Algorithms developed to predict the effect of sequence changes on RNA splicing suggest that this variant may disrupt the consensus splice site, but this prediction has not been confirmed by published transcriptional studies. For these reasons, this variant has been classified as Pathogenic. This variant has not been reported in the literature in individuals with LAMC2-related conditions. This variant is not present in population databases (ExAC no frequency). This sequence change creates a premature translational stop signal (p.Gly429*) in the LAMC2 gene. It is expected to result in an absent or disrupted protein product. Loss-of-function variants in LAMC2 are known to be pathogenic (PMID: 11907499, 16473856).

Literature cited by the submitters: PubMed 11907499; PubMed 16473856.